The following is an entry in ClinVar:

NM_001035.3(RYR2):c.7420A>G (p.Arg2474Gly)

Gene: RYR2 (ryanodine receptor 2; plus strand). Cytogenetic location: 1q43.
Variant type: single nucleotide variant.
Coding change: c.7420A>G on transcript NM_001035.3 (MANE Select); coding-DNA position 7420, A replaced by G.
Protein change: p.Arg2474Gly; replaces arginine 2474 with glycine.
Molecular consequence: missense variant.
Genome position (GRCh38, 1-based): chr1:237,648,521, A>G. VCF-style: chr1-237648521-A-G. GRCh37 (hg19) VCF-style: chr1-237811821-A-G.
Other names: c.7420A>G (NM_001035.2); short protein forms R2474G.
Identifiers: ClinVar variation 2734117 (VCV002734117.4), dbSNP rs2547025987, ClinGen allele CA345398292.
Genomic context (GRCh38, chr1:237,648,521, plus strand): 5'-CCTGACATGTCTGCGGGGTTTTGCCCAGATCACAAGGCAGCCATGGTTTTATTCCTTGAC[A>G]GGGTCTATGGGATTGAGGTTCAAGACTTCCTCCTCCATCTTCTTGAGGTTGGCTTTCTGC-3'
Protein context (NP_001026.2, residues 2464-2484): HKAAMVLFLD[Arg2474Gly]VYGIEVQDFL

ClinVar aggregate classification (germline): Pathogenic/Likely pathogenic. Review status: criteria provided, multiple submitters, no conflicts (2 of 4 stars). 2 submissions from 2 submitters: Pathogenic (1); Likely pathogenic (1). Last evaluated 2024-04-13.

Conditions:
Catecholaminergic polymorphic ventricular tachycardia 1. Also called: VENTRICULAR TACHYCARDIA, CATECHOLAMINERGIC POLYMORPHIC, 1, WITH OR WITHOUT ATRIAL DYSFUNCTION AND/OR DILATED CARDIOMYOPATHY; RYR2-Related Catecholaminergic Polymorphic Ventricular Tachycardia; VENTRICULAR TACHYCARDIA, STRESS-INDUCED POLYMORPHIC 1. Identifiers: Orphanet 3286, MedGen C1631597, MONDO:0011484, OMIM 604772.

Submissions (2):

Labcorp Genetics (formerly Invitae), Labcorp
Classification: Likely pathogenic for Catecholaminergic polymorphic ventricular tachycardia 1. Last evaluated: 2024-04-13. Review status: criteria provided, single submitter. Criteria: Invitae Variant Classification Sherloc (09022015). Collection method: clinical testing. Allele origin: germline.
Comment: This sequence change replaces arginine, which is basic and polar, with glycine, which is neutral and non-polar, at codon 2474 of the RYR2 protein (p.Arg2474Gly). This variant is not present in population databases (gnomAD no frequency). This missense change has been observed in individual(s) with autosomal dominant catecholaminergic polymorphic ventricular tachycardia (PMID: 23595086). Advanced modeling of protein sequence and biophysical properties (such as structural, functional, and spatial information, amino acid conservation, physicochemical variation, residue mobility, and thermodynamic stability) performed at Invitae indicates that this missense variant is expected to disrupt RYR2 protein function with a positive predictive value of 95%. This variant disrupts the p.Arg2474 amino acid residue in RYR2. Other variant(s) that disrupt this residue have been determined to be pathogenic (PMID: 11208676, 18483626, 30403697). This suggests that this residue is clinically significant, and that variants that disrupt this residue are likely to be disease-causing. In summary, the currently available evidence indicates that the variant is pathogenic, but additional data are needed to prove that conclusively. Therefore, this variant has been classified as Likely Pathogenic.

GeneDx
Classification: Pathogenic. Last evaluated: 2024-03-07. Review status: criteria provided, single submitter. Criteria: GeneDx Variant Classification Process June 2021. Collection method: clinical testing. Allele origin: germline. Affected: yes.
Comment: In silico analysis supports that this missense variant has a deleterious effect on protein structure/function; Not observed at significant frequency in large population cohorts (gnomAD); This variant is associated with the following publications: (PMID: 29434162, 32152366, 23595086, 22828895, 11208676)

Literature cited by the submitters: PubMed 23595086 (cited by Labcorp Genetics (formerly Invitae), Labcorp); PubMed 11208676 (cited by Labcorp Genetics (formerly Invitae), Labcorp); PubMed 18483626 (cited by Labcorp Genetics (formerly Invitae), Labcorp); PubMed 30403697 (cited by Labcorp Genetics (formerly Invitae), Labcorp).